The following is an entry in ClinVar:

NM_015346.4(ZFYVE26):c.4675-3C>T

Gene: ZFYVE26 (zinc finger FYVE-type containing 26; minus strand). Cytogenetic location: 14q24.1.
Variant type: single nucleotide variant.
Coding change: c.4675-3C>T on transcript NM_015346.4 (MANE Select); 3 bases into the intron before coding-DNA position 4675, C replaced by T.
Molecular consequence: intron variant.
Genome position (GRCh38, 1-based): chr14:67,778,251, G>A on the plus strand (C>T on the coding strand, the complement: ZFYVE26 is on the minus strand). VCF-style: chr14-67778251-G-A. GRCh37 (hg19) VCF-style: chr14-68244968-G-A.
Identifiers: ClinVar variation 2159866 (VCV002159866.1), dbSNP rs373194310, ClinGen allele CA7239691.

ClinVar aggregate classification (germline): Uncertain significance (1 of 4 stars; one submission).

Conditions:
Spastic paraplegia. Identifiers: MedGen C0037772, HP:0001258.

Allele frequency attached by ClinVar (database versions not stated): ExAC 0.00009; ESP Exome Variant Server 0.00015.
gnomAD v4.1: 156 of 1,614,050 alleles (0.0097%); highest among the groups gnomAD compares: South Asian, 0.046%; 1 homozygote.

Submission:

Labcorp Genetics (formerly Invitae), Labcorp
Classification: Uncertain significance for Spastic paraplegia. Last evaluated: 2022-02-24. Review status: criteria provided, single submitter. Criteria: Invitae Variant Classification Sherloc (09022015). Collection method: clinical testing. Allele origin: germline.
Comment: This sequence change falls in intron 23 of the ZFYVE26 gene. It does not directly change the encoded amino acid sequence of the ZFYVE26 protein. It affects a nucleotide within the consensus splice site. This variant is present in population databases (rs373194310, gnomAD 0.04%). This variant has not been reported in the literature in individuals affected with ZFYVE26-related conditions. Variants that disrupt the consensus splice site are a relatively common cause of aberrant splicing (PMID: 17576681, 9536098). Algorithms developed to predict the effect of sequence changes on RNA splicing suggest that this variant is not likely to affect RNA splicing. In summary, the available evidence is currently insufficient to determine the role of this variant in disease. Therefore, it has been classified as a Variant of Uncertain Significance.

Literature cited by the submitters: PubMed 17576681; PubMed 9536098.